The following is an entry in ClinVar:

ClinVar aggregate classification (germline): Uncertain significance (1 of 4 stars; one submission).

Conditions:
Pontocerebellar hypoplasia type 1A (PCH1A). Also called: PONTOCEREBELLAR HYPOPLASIA WITH ANTERIOR HORN CELL DISEASE; PONTOCEREBELLAR HYPOPLASIA WITH INFANTILE SPINAL MUSCULAR ATROPHY. Identifiers: Orphanet 2254, Orphanet 88616, MedGen C1843504, MONDO:0011866, OMIM 607596.

Allele frequency attached by ClinVar (database versions not stated): gnomAD exomes below 0.00001.
gnomAD v4.1: 1 of 1,613,316 alleles (0.000062%); highest among the groups gnomAD compares: Non-Finnish European, 0.000085%; no homozygotes.

Submission:

Labcorp Genetics (formerly Invitae), Labcorp
Classification: Uncertain significance for Pontocerebellar hypoplasia type 1A. Last evaluated: 2021-08-31. Review status: criteria provided, single submitter. Criteria: Invitae Variant Classification Sherloc (09022015). Collection method: clinical testing. Allele origin: germline.
Comment: This sequence change replaces glutamine with proline at codon 95 of the VRK1 protein (p.Gln95Pro). The glutamine residue is moderately conserved and there is a moderate physicochemical difference between glutamine and proline. This variant is not present in population databases (ExAC no frequency). This variant has not been reported in the literature in individuals affected with VRK1-related conditions. Algorithms developed to predict the effect of missense changes on protein structure and function (SIFT, PolyPhen-2, Align-GVGD) all suggest that this variant is likely to be tolerated. In summary, the available evidence is currently insufficient to determine the role of this variant in disease. Therefore, it has been classified as a Variant of Uncertain Significance.

NM_003384.3(VRK1):c.284A>C (p.Gln95Pro)

Gene: VRK1 (VRK serine/threonine kinase 1; plus strand). Cytogenetic location: 14q32.2.
Variant type: single nucleotide variant.
Coding change: c.284A>C on transcript NM_003384.3 (MANE Select); coding-DNA position 284, A replaced by C.
Protein change: p.Gln95Pro; replaces glutamine 95 with proline.
Molecular consequence: missense variant.
Genome position (GRCh38, 1-based): chr14:96,846,162, A>C. VCF-style: chr14-96846162-A-C. GRCh37 (hg19) VCF-style: chr14-97312499-A-C.
Other names: short protein forms Q95P.
Identifiers: ClinVar variation 970962 (VCV000970962.8), dbSNP rs1887677369, ClinGen allele CA390929595.
Genomic context (GRCh38, chr14:96,846,162, plus strand): 5'-GTGACAATGGACCTCTTTTTACTGAATTAAAGTTCTACCAACGAGCTGCAAAACCAGAGC[A>C]AAGTAAGAAATACAGTACACATACGTTTACACTTTTAAAATGACCAGTTTTTTGTTTTAA-3'
Protein context (NP_003375.1, residues 85-105): KFYQRAAKPE[Gln95Pro]IQKWIRTRKL